The following is an entry in ClinVar:

NM_177438.3(DICER1):c.5557C>T (p.Pro1853Ser)

Gene: DICER1 (dicer 1, ribonuclease III; minus strand). Cytogenetic location: 14q32.13.
Variant type: single nucleotide variant.
Coding change: c.5557C>T on transcript NM_177438.3 (MANE Select); coding-DNA position 5557, C replaced by T.
Protein change: p.Pro1853Ser; replaces proline 1853 with serine.
Molecular consequence: missense variant. On other transcripts: synonymous variant (1), non-coding transcript variant (6).
Genome position (GRCh38, 1-based): chr14:95,091,080, G>A on the plus strand (C>T on the coding strand, the complement: DICER1 is on the minus strand). VCF-style: chr14-95091080-G-A. GRCh37 (hg19) VCF-style: chr14-95557417-G-A.
Other names: c.5394C>T, p.Pro1798= (NM_001195573.1); c.5557C>T, p.Pro1853Ser (NM_001271282.3, NM_001291628.2, NM_001395677.1 and 8 more transcripts); c.5275C>T, p.Pro1759Ser (NM_001395686.1); c.5152C>T, p.Pro1718Ser (NM_001395687.1, NM_001395688.1, NM_001395689.1 and 1 more transcripts); c.4990C>T, p.Pro1664Ser (NM_001395691.1); c.3874C>T, p.Pro1292Ser (NM_001395697.1); short protein forms P1664S, P1853S, P1292S, P1718S, P1759S.
Identifiers: ClinVar variation 2123222 (VCV002123222.4), dbSNP rs2542400252, ClinGen allele CA390864286.

ClinVar aggregate classification (germline): Uncertain significance (1 of 4 stars; one submission).

Conditions:
DICER1-related tumor predisposition. Also called: DICER1 syndrome; DICER1-related pleuropulmonary blastoma cancer predisposition syndrome. Identifiers: Orphanet 284343, MedGen C3839822, MONDO:0100216.

Submission:

Labcorp Genetics (formerly Invitae), Labcorp
Classification: Uncertain significance for DICER1-related tumor predisposition. Last evaluated: 2022-09-23. Review status: criteria provided, single submitter. Criteria: Invitae Variant Classification Sherloc (09022015). Collection method: clinical testing. Allele origin: germline.
Comment: This sequence change replaces proline, which is neutral and non-polar, with serine, which is neutral and polar, at codon 1853 of the DICER1 protein (p.Pro1853Ser). This variant is not present in population databases (gnomAD no frequency). This variant has not been reported in the literature in individuals affected with DICER1-related conditions. Algorithms developed to predict the effect of missense changes on protein structure and function (SIFT, PolyPhen-2, Align-GVGD) all suggest that this variant is likely to be disruptive. In summary, the available evidence is currently insufficient to determine the role of this variant in disease. Therefore, it has been classified as a Variant of Uncertain Significance.